The following is an entry in ClinVar:

NM_001378969.1(KCND3):c.74G>A (p.Cys25Tyr)

Gene: KCND3 (potassium voltage-gated channel subfamily D member 3; minus strand). Cytogenetic location: 1p13.2.
Variant type: single nucleotide variant.
Coding change: c.74G>A on transcript NM_001378969.1 (MANE Select); coding-DNA position 74, G replaced by A.
Protein change: p.Cys25Tyr; replaces cysteine 25 with tyrosine.
Molecular consequence: missense variant.
Genome position (GRCh38, 1-based): chr1:111,982,653, C>T on the plus strand (G>A on the coding strand, the complement: KCND3 is on the minus strand). VCF-style: chr1-111982653-C-T. GRCh37 (hg19) VCF-style: chr1-112525275-C-T.
Other names: c.74G>A, p.Cys25Tyr (NM_001378970.1, NM_004980.5, NM_172198.3); short protein forms C25Y.
Identifiers: ClinVar variation 5008290 (VCV005008290.2).

ClinVar aggregate classification (germline): Uncertain significance. Review status: criteria provided, multiple submitters, no conflicts (2 of 4 stars). 2 submissions from 2 submitters: Uncertain significance (2). Last evaluated 2026-08-24.

Conditions:
Cardiovascular phenotype. Identifiers: MedGen CN230736.

Submissions (2):

Ambry Genetics
Classification: Uncertain significance for Cardiovascular phenotype. Last evaluated: 2026-08-24. Review status: criteria provided, single submitter. Criteria: Ambry Variant Classification Scheme 2023. Collection method: clinical testing. Allele origin: germline.
Comment: The p.C25Y variant (also known as c.74G>A), located in coding exon 1 of the KCND3 gene, results from a G to A substitution at nucleotide position 74. The cysteine at codon 25 is replaced by tyrosine, an amino acid with highly dissimilar properties. This amino acid position is conserved. In addition, the in silico prediction for this alteration is inconclusive. Based on the available evidence, the clinical significance of this variant remains unclear.

GeneDx
Classification: Uncertain significance. Last evaluated: 2026-03-03. Review status: criteria provided, single submitter. Criteria: GeneDx Variant Classification Process June 2021. Collection method: clinical testing. Allele origin: germline.
Comment: Not observed at significant frequency in large population cohorts (gnomAD); In silico analysis suggests that this missense variant does not alter protein structure/function; Has not been previously published as pathogenic or benign to our knowledge